The following is an entry in ClinVar:

ClinVar aggregate classification (germline): Uncertain significance (1 of 4 stars; one submission).

Conditions:
Deficiency of iodide peroxidase (TDH2A). Also called: Thyroid dyshormonogenesis 2A; HYPOTHYROIDISM, CONGENITAL, DUE TO DYSHORMONOGENESIS, 2A; IODIDE PEROXIDASE DEFICIENCY; THYROID HORMONOGENESIS, GENETIC DEFECT IN, 2A; THYROID PEROXIDASE DEFICIENCY. Identifiers: Orphanet 95716, MedGen C1291299, MONDO:0010133, OMIM 274500.

gnomAD v4.1: 78 of 1,613,830 alleles (0.0048%); highest among the groups gnomAD compares: East Asian, 0.029%; no homozygotes.

Submission:

3billion
Classification: Uncertain significance for Deficiency of iodide peroxidase. Last evaluated: 2023-08-07. Review status: criteria provided, single submitter. Criteria: ACMG Guidelines, 2015. Collection method: clinical testing. Allele origin: germline. Affected: yes.
Comment: The variant is observed at an extremely low frequency in the gnomAD v2.1.1 dataset (total allele frequency: 0.004%). Predicted Consequence/Location: Missense variant In silico tool predictions suggest no damaging effect of the variant on gene or gene product (REVEL: 0.35 (<0.4); 3Cnet: 0.05 (<0.15, specificity 0.78 and negative predicitive value 0.92)). Same nucleotide change resulting in same amino acid change has been previously reported to be associated with TPO related disorder (PMID: 21707688). However, the evidence of pathogenicity is insufficient at this time. Therefore, this variant is classified as VUS according to the recommendation of ACMG/AMP guideline.

Literature cited by the submitters: PubMed 21707688.

NM_001206744.2(TPO):c.2587G>A (p.Ala863Thr)

Genes: TPO (thyroid peroxidase; plus strand), LALTOP (lung cancer associated lncRNA targeting TOP2A; minus strand). Cytogenetic location: 2p25.3.
Variant type: single nucleotide variant.
Coding change: c.2587G>A on transcript NM_001206744.2 (MANE Select); coding-DNA position 2587, G replaced by A.
Protein change: p.Ala863Thr; replaces alanine 863 with threonine.
Molecular consequence: missense variant.
Genome position (GRCh38, 1-based): chr2:1,516,951, G>A. VCF-style: chr2-1516951-G-A. GRCh37 (hg19) VCF-style: chr2-1520723-G-A.
Other names: c.2587G>A, p.Ala863Thr (NM_000547.6); c.2416G>A, p.Ala806Thr (NM_001206745.2, NM_175719.4); c.2455G>A, p.Ala819Thr (NM_175721.3); c.2068G>A, p.Ala690Thr (NM_175722.3); short protein forms A690T, A806T, A819T, A863T.
Identifiers: ClinVar variation 3775595 (VCV003775595.1).